The following is an entry in ClinVar:

NM_024675.4(PALB2):c.380A>G (p.His127Arg)

Gene: PALB2 (partner and localizer of BRCA2; minus strand). Cytogenetic location: 16p12.2.
Variant type: single nucleotide variant.
Coding change: c.380A>G on transcript NM_024675.4 (MANE Select); coding-DNA position 380, A replaced by G.
Protein change: p.His127Arg; replaces histidine 127 with arginine.
Molecular consequence: missense variant.
Genome position (GRCh38, 1-based): chr16:23,636,166, T>C on the plus strand (A>G on the coding strand, the complement: PALB2 is on the minus strand). VCF-style: chr16-23636166-T-C. GRCh37 (hg19) VCF-style: chr16-23647487-T-C.
Other names: short protein forms H127R.
Identifiers: ClinVar variation 216758 (VCV000216758.19), dbSNP rs863224789, ClinGen allele CA338916.

ClinVar aggregate classification (germline): Conflicting classifications of pathogenicity. Review status: criteria provided, conflicting classifications (1 of 4 stars). 6 submissions from 6 submitters: Uncertain significance (4); Likely benign (1). 1 of the submissions does not count toward it. Last evaluated 2026-01-16.

Conditions:
Hereditary cancer-predisposing syndrome. Also called: Hereditary Cancer Syndrome; Hereditary neoplastic syndrome; Neoplastic Syndromes, Hereditary; Tumor predisposition. Identifiers: Orphanet 140162, MedGen C0027672, MeSH D009386, MONDO:0015356.
Familial cancer of breast. Also called: Hereditary breast cancer; BREAST CANCER, FAMILIAL; hereditary breast carcinoma. Identifiers: Orphanet 227535, MedGen C0346153, MONDO:0016419, OMIM 114480. Disease mechanism: loss of function.

Allele frequency attached by ClinVar (database versions not stated): gnomAD exomes below 0.00001 and 0.00001.
gnomAD v4.1: 2 of 1,612,168 alleles (0.00012%); highest among the groups gnomAD compares: East Asian, 0.0045%; no homozygotes.

Submissions (6):

Labcorp Genetics (formerly Invitae), Labcorp
Classification: Uncertain significance for Familial cancer of breast. Last evaluated: 2026-01-16. Review status: criteria provided, single submitter. Criteria: Invitae Variant Classification Sherloc (09022015). Collection method: clinical testing. Allele origin: germline.
Comment: This sequence change replaces histidine, which is basic and polar, with arginine, which is basic and polar, at codon 127 of the PALB2 protein (p.His127Arg). This variant is present in population databases (no rsID available, gnomAD 0.01%). This missense change has been observed in individual(s) with ovarian cancer (PMID: 30093976). ClinVar contains an entry for this variant (Variation ID: 216758). An algorithm developed to predict the effect of missense changes on protein structure and function (PolyPhen-2) suggests that this variant is likely to be tolerated. In summary, the available evidence is currently insufficient to determine the role of this variant in disease. Therefore, it has been classified as a Variant of Uncertain Significance.

Molecular Pathology, Peter Maccallum Cancer Centre
Classification: Uncertain significance for Familial cancer of breast. Last evaluated: 2025-05-21. Review status: criteria provided, single submitter. Criteria: ACMG Guidelines, 2015. Collection method: clinical testing. Allele origin: germline. Inheritance: Autosomal dominant inheritance.

Ambry Genetics
Classification: Likely benign for Hereditary cancer-predisposing syndrome. Last evaluated: 2024-05-10. Review status: criteria provided, single submitter. Criteria: Ambry Variant Classification Scheme 2023. Collection method: clinical testing. Allele origin: germline.

GeneDx
Classification: Uncertain significance. Last evaluated: 2024-05-10. Review status: criteria provided, single submitter. Criteria: GeneDx Variant Classification Process June 2021. Collection method: clinical testing. Allele origin: germline. Affected: yes.
Comment: Not observed at significant frequency in large population cohorts (gnomAD); In silico analysis supports that this missense variant has a deleterious effect on protein structure/function; This variant is associated with the following publications: (PMID: 19369211, 20871615, 30287823, 35585550, 30093976, 36243179)

Color Diagnostics, LLC DBA Color Health
Classification: Uncertain significance for Hereditary cancer-predisposing syndrome. Last evaluated: 2021-06-09. Review status: criteria provided, single submitter. Criteria: ACMG Guidelines, 2015. Collection method: clinical testing. Allele origin: germline.
Comment: This missense variant replaces histidine with arginine at codon 127 of the PALB2 protein. Computational prediction suggests that this variant may not impact protein structure and function (internally defined REVEL score threshold <= 0.5, PMID: 27666373). To our knowledge, functional studies have not been reported for this variant. This variant has been reported in an individual affected with ovarian cancer (PMID: 30093976) and in a breast cancer case-control meta-analysis in 4/60462 cases and 3/53458 unaffected individuals with OR=1.179 (95%CI 0.264 to 5.268) (PMID: 33471991; Leiden Open Variation Database DB-ID PALB2_010534). This variant also has been observed in unaffected individuals in other breast and pancreatic cancer case-control studies (PMID: 30287823, 32980694). This variant has been identified in 2/250186 chromosomes in the general population by the Genome Aggregation Database (gnomAD). The available evidence is insufficient to determine the role of this variant in disease conclusively. Therefore, this variant is classified as a Variant of Uncertain Significance.

Leiden Open Variation Database
Classification: Uncertain significance. Last evaluated: 2018-10-10. Review status: no assertion criteria provided. Collection method: curation. Allele origin: germline. Affected: yes. Not counted in ClinVar's aggregate classification.
Comment: Curators: Marc Tischkowitz, Arleen D. Auerbach. Submitter to LOVD: Yukihide Momozawa.

Literature cited by the submitters: PubMed 30093976 (cited by Labcorp Genetics (formerly Invitae), Labcorp); PubMed 30287823 (cited by Leiden Open Variation Database).